The following is an entry in ClinVar:

ClinVar aggregate classification (germline): Uncertain significance (1 of 4 stars; one submission).

gnomAD v4.1: 40 of 1,612,794 alleles (0.0025%); highest among the groups gnomAD compares: Non-Finnish European, 0.0034%; no homozygotes.

Submission:

Labcorp Genetics (formerly Invitae), Labcorp
Classification: Uncertain significance. Last evaluated: 2024-09-02. Review status: criteria provided, single submitter. Criteria: Invitae Variant Classification Sherloc (09022015). Collection method: clinical testing. Allele origin: germline.
Comment: This sequence change replaces proline, which is neutral and non-polar, with serine, which is neutral and polar, at codon 810 of the GANAB protein (p.Pro810Ser). This variant is present in population databases (rs375934368, gnomAD 0.0009%). This variant has not been reported in the literature in individuals affected with GANAB-related conditions. Invitae Evidence Modeling of protein sequence and biophysical properties (such as structural, functional, and spatial information, amino acid conservation, physicochemical variation, residue mobility, and thermodynamic stability) indicates that this missense variant is not expected to disrupt GANAB protein function with a negative predictive value of 80%. In summary, the available evidence is currently insufficient to determine the role of this variant in disease. Therefore, it has been classified as a Variant of Uncertain Significance.

NM_198334.3(GANAB):c.2362C>T (p.Pro788Ser)

Gene: GANAB (glucosidase II alpha subunit; minus strand). Cytogenetic location: 11q12.3.
Variant type: single nucleotide variant.
Coding change: c.2362C>T on transcript NM_198334.3 (MANE Select); coding-DNA position 2362, C replaced by T.
Protein change: p.Pro788Ser; replaces proline 788 with serine.
Molecular consequence: missense variant.
Genome position (GRCh38, 1-based): chr11:62,626,895, G>A on the plus strand (C>T on the coding strand, the complement: GANAB is on the minus strand). VCF-style: chr11-62626895-G-A. GRCh37 (hg19) VCF-style: chr11-62394367-G-A.
Other names: c.2086C>T, p.Pro696Ser (NM_001278192.2); c.2020C>T, p.Pro674Ser (NM_001278193.2); c.2071C>T, p.Pro691Ser (NM_001278194.2, NM_001329222.2, NM_001329223.2); c.1639C>T, p.Pro547Ser (NM_001329224.2, NM_001329225.2); c.2428C>T, p.Pro810Ser (NM_198335.4); short protein forms P547S, P674S, P691S, P696S, P788S, P810S.
Identifiers: ClinVar variation 3614346 (VCV003614346.2).